The following is an entry in ClinVar:

NM_000038.6(APC):c.6418T>C (p.Ser2140Pro)

Gene: APC (APC regulator of Wnt signaling pathway; plus strand). Cytogenetic location: 5q22.2.
Variant type: single nucleotide variant.
Coding change: c.6418T>C on transcript NM_000038.6 (MANE Select); coding-DNA position 6418, T replaced by C.
Protein change: p.Ser2140Pro; replaces serine 2140 with proline.
Molecular consequence: missense variant.
Genome position (GRCh38, 1-based): chr5:112,842,012, T>C. VCF-style: chr5-112842012-T-C. GRCh37 (hg19) VCF-style: chr5-112177709-T-C.
Other names: c.6418T>C, p.Ser2140Pro (NM_001127510.3, NM_001354895.2); c.6364T>C, p.Ser2122Pro (NM_001127511.3); c.6472T>C, p.Ser2158Pro (NM_001354896.2); c.6448T>C, p.Ser2150Pro (NM_001354897.2); c.6343T>C, p.Ser2115Pro (NM_001354898.2); c.6334T>C, p.Ser2112Pro (NM_001354899.2); c.6295T>C, p.Ser2099Pro (NM_001354900.2); c.6241T>C, p.Ser2081Pro (NM_001354901.2); and 5 more; short protein forms S1857P, S2081P, S2122P, S1980P, S2039P, S2014P, S2049P, S2112P.
Identifiers: ClinVar variation 972637 (VCV000972637.52), dbSNP rs1740372436, ClinGen allele CA16035380.

ClinVar aggregate classification (germline): Uncertain significance. Review status: criteria provided, multiple submitters, no conflicts (2 of 4 stars). 4 submissions from 4 submitters: Uncertain significance (4). Last evaluated 2025-03-12.

Conditions:
Hereditary cancer-predisposing syndrome. Also called: Hereditary Cancer Syndrome; Hereditary neoplastic syndrome; Tumor predisposition; Neoplastic Syndromes, Hereditary. Identifiers: Orphanet 140162, MedGen C0027672, MeSH D009386, MONDO:0015356.
Familial adenomatous polyposis 1 (FAP1). Also called: FAMILIAL ADENOMATOUS POLYPOSIS 1, ATTENUATED; POLYPOSIS, ADENOMATOUS INTESTINAL. Identifiers: MedGen C2713442, MONDO:0021056, OMIM 175100. Disease mechanism: loss of function.

Allele frequency attached by ClinVar (database versions not stated): TOPMed below 0.00001.

Submissions (4):

Quest Diagnostics Nichols Institute San Juan Capistrano
Classification: Uncertain significance. Last evaluated: 2025-03-12. Review status: criteria provided, single submitter. Criteria: Quest Diagnostics criteria. Collection method: clinical testing. Allele origin: unknown.
Comment: The APC c.6418T>C (p.Ser2140Pro) variant has not been reported in individuals with APC-related conditions in the published literature. It also has not been reported in large, multi-ethnic general populations (Genome Aggregation Database). Analysis of this variant using bioinformatics tools for the prediction of the effect of amino acid changes on protein structure and function yielded predictions that this variant is damaging. Based on the available information, we are unable to determine the clinical significance of this variant.

Labcorp Genetics (formerly Invitae), Labcorp
Classification: Uncertain significance for Familial adenomatous polyposis 1. Last evaluated: 2024-10-28. Review status: criteria provided, single submitter. Criteria: Invitae Variant Classification Sherloc (09022015). Collection method: clinical testing. Allele origin: germline.
Comment: This sequence change replaces serine, which is neutral and polar, with proline, which is neutral and non-polar, at codon 2140 of the APC protein (p.Ser2140Pro). This variant is not present in population databases (gnomAD no frequency). This variant has not been reported in the literature in individuals affected with APC-related conditions. ClinVar contains an entry for this variant (Variation ID: 972637). Invitae Evidence Modeling of protein sequence and biophysical properties (such as structural, functional, and spatial information, amino acid conservation, physicochemical variation, residue mobility, and thermodynamic stability) indicates that this missense variant is not expected to disrupt APC protein function with a negative predictive value of 95%. In summary, the available evidence is currently insufficient to determine the role of this variant in disease. Therefore, it has been classified as a Variant of Uncertain Significance.

Ambry Genetics
Classification: Uncertain significance for Hereditary cancer-predisposing syndrome. Last evaluated: 2024-01-12. Review status: criteria provided, single submitter. Criteria: Ambry Variant Classification Scheme 2023. Collection method: clinical testing. Allele origin: germline.
Comment: The p.S2140P variant (also known as c.6418T>C), located in coding exon 15 of the APC gene, results from a T to C substitution at nucleotide position 6418. The serine at codon 2140 is replaced by proline, an amino acid with similar properties. This amino acid position is conserved. In addition, in silico predictors for this gene do not accurately predict pathogenicity. Since supporting evidence is limited at this time, the clinical significance of this alteration remains unclear.

Baylor Genetics
Classification: Uncertain significance for Familial adenomatous polyposis 1. Last evaluated: 2023-11-03. Review status: criteria provided, single submitter. Criteria: ACMG Guidelines, 2015. Collection method: clinical testing. Allele origin: unknown.